The following is an entry in ClinVar:

ClinVar aggregate classification (germline): Pathogenic (1 of 4 stars; one submission).

Submission:

Labcorp Genetics (formerly Invitae), Labcorp
Classification: Pathogenic. Last evaluated: 2022-11-22. Review status: criteria provided, single submitter. Criteria: Invitae Variant Classification Sherloc (09022015). Collection method: clinical testing. Allele origin: germline.
Comment: This sequence change creates a premature translational stop signal (p.Glu1141Lysfs*17) in the MCM3AP gene. It is expected to result in an absent or disrupted protein product. Loss-of-function variants in MCM3AP are known to be pathogenic (PMID: 28633435). This variant is not present in population databases (gnomAD no frequency). This variant has not been reported in the literature in individuals affected with MCM3AP-related conditions. ClinVar contains an entry for this variant (Variation ID: 1378815). For these reasons, this variant has been classified as Pathogenic.

Literature cited by the submitters: PubMed 28633435.

NM_003906.5(MCM3AP):c.3421del (p.Glu1141fs)

Gene: MCM3AP (minichromosome maintenance complex component 3 associated protein; minus strand). Cytogenetic location: 21q22.3.
Variant type: Deletion.
Coding change: c.3421del on transcript NM_003906.5 (MANE Select); coding-DNA position 3421, one base deleted (G; older notation c.3421delG).
Protein change: p.Glu1141fs; shifts the reading frame from glutamic acid 1141.
Molecular consequence: frameshift variant.
Genome position (GRCh38, 1-based): chr21:46,261,326, C deleted on the plus strand (G on the coding strand, the reverse complement: MCM3AP is on the minus strand); the first of 2 consecutive C bases (chr21:46,261,326-46,261,327); deleting either gives the same sequence. VCF-style (leftmost placement, unchanged base first): chr21-46261325-TC-T. GRCh37 (hg19) VCF-style: chr21-47681239-TC-T.
Other names: short protein forms E1141fs.
Identifiers: ClinVar variation 1378815 (VCV001378815.6), dbSNP rs2145664555, ClinGen allele CA2573157523.